The following is an entry in ClinVar:

NM_004612.4(TGFBR1):c.318C>T (p.Cys106=)

Gene: TGFBR1 (transforming growth factor beta receptor 1; plus strand). Cytogenetic location: 9q22.33.
Variant type: single nucleotide variant.
Coding change: c.318C>T on transcript NM_004612.4 (MANE Select); coding-DNA position 318, C replaced by T.
Protein change: p.Cys106=; no amino-acid change (cysteine 106 retained).
Molecular consequence: synonymous variant.
Genome position (GRCh38, 1-based): chr9:99,129,075, C>T. VCF-style: chr9-99129075-C-T. GRCh37 (hg19) VCF-style: chr9-101891357-C-T.
Other names: c.318C>T (NM_004612.3, NM_004612.2); c.318C>T, p.Cys106= (NM_001130916.3, NM_001306210.2).
Identifiers: ClinVar variation 1153574 (VCV001153574.13), dbSNP rs149417020, ClinGen allele CA041501.

ClinVar aggregate classification (germline): Likely benign. Review status: criteria provided, multiple submitters, no conflicts (2 of 4 stars). 4 submissions from 4 submitters: Likely benign (3). 1 of the submissions does not count toward it. Last evaluated 2025-12-10.

Conditions:
Familial thoracic aortic aneurysm and aortic dissection (TAAD). Also called: Thoracic aortic aneurysms and dissections. Identifiers: Orphanet 91387, MedGen C4707243, MONDO:0019625.
TGFBR1-related disorder. Also called: TGFBR1-related condition.

Allele frequency attached by ClinVar (database versions not stated): gnomAD exomes below 0.00001 and 0.00001; ExAC 0.00001; gnomAD 0.00003 and 0.00004; TOPMed 0.00005; ESP Exome Variant Server 0.00008.
gnomAD v4.1: 10 of 1,613,732 alleles (0.00062%); highest among the groups gnomAD compares: African/African-American, 0.012%; no homozygotes.

Submissions (4):

Ambry Genetics
Classification: Likely benign for Familial thoracic aortic aneurysm and aortic dissection. Last evaluated: 2025-12-10. Review status: criteria provided, single submitter. Criteria: Ambry Variant Classification Scheme 2023. Collection method: clinical testing. Allele origin: germline.

Labcorp Genetics (formerly Invitae), Labcorp
Classification: Likely benign for Familial thoracic aortic aneurysm and aortic dissection. Last evaluated: 2025-12-01. Review status: criteria provided, single submitter. Criteria: Invitae Variant Classification Sherloc (09022015). Collection method: clinical testing. Allele origin: germline.

Color Diagnostics, LLC DBA Color Health
Classification: Likely benign for Familial thoracic aortic aneurysm and aortic dissection. Last evaluated: 2023-11-22. Review status: criteria provided, single submitter. Criteria: ACMG Guidelines, 2015. Collection method: clinical testing. Allele origin: germline.

PreventionGenetics, part of Exact Sciences
Classification: Likely benign for TGFBR1-related condition. Last evaluated: 2019-05-17. Review status: no assertion criteria provided. Collection method: clinical testing. Allele origin: germline. Not counted in ClinVar's aggregate classification.
Comment: This variant is classified as likely benign based on ACMG/AMP sequence variant interpretation guidelines (Richards et al. 2015 PMID: 25741868, with internal and published modifications).